The following is an entry in ClinVar:

NM_000532.5(PCCB):c.1143T>A (p.Cys381Ter)

Gene: PCCB (propionyl-CoA carboxylase subunit beta; plus strand). Cytogenetic location: 3q22.3.
Variant type: single nucleotide variant.
Coding change: c.1143T>A on transcript NM_000532.5 (MANE Select); coding-DNA position 1143, T replaced by A.
Protein change: p.Cys381Ter; replaces cysteine 381 with a stop codon.
Molecular consequence: nonsense.
Genome position (GRCh38, 1-based): chr3:136,326,855, T>A. VCF-style: chr3-136326855-T-A. GRCh37 (hg19) VCF-style: chr3-136045697-T-A.
Other names: c.1203T>A, p.Cys401Ter (NM_001178014.2); short protein forms C381*, C401*.
Identifiers: ClinVar variation 2022864 (VCV002022864.5), dbSNP rs2529970463, ClinGen allele CA354648602.

ClinVar aggregate classification (germline): Pathogenic. Review status: criteria provided, multiple submitters, no conflicts (2 of 4 stars). 2 submissions from 2 submitters: Pathogenic (2). Last evaluated 2024-02-09.

Conditions:
Propionic acidemia (PROP). Also called: GLYCINEMIA, KETOTIC; HYPERGLYCINEMIA WITH KETOACIDOSIS AND LEUKOPENIA; KETOTIC HYPERGLYCINEMIA. Identifiers: Orphanet 35, MedGen C0268579, MONDO:0011628, OMIM 606054, HP:0003571.

Submissions (2):

Myriad Genetics, Inc.
Classification: Pathogenic for Propionic acidemia. Last evaluated: 2024-02-09. Review status: criteria provided, single submitter. Criteria: Myriad Autosomal Dominant, Autosomal Recessive and X-Linked Classification Criteria (2023). Collection method: clinical testing. Allele origin: unknown.
Comment: NM_000532.4(PCCB):c.1143T>A(C381*) is expected to be pathogenic in the context of PCCB-related propionic acidemia. This variant is predicted to lead to an abnormal or absent protein product due to the creation of a premature termination codon in PCCB, a gene where loss-of-function variants are known to be pathogenic. Please note: this variant was assessed in the context of healthy population screening.

Labcorp Genetics (formerly Invitae), Labcorp
Classification: Pathogenic for Propionic acidemia. Last evaluated: 2022-08-30. Review status: criteria provided, single submitter. Criteria: Invitae Variant Classification Sherloc (09022015). Collection method: clinical testing. Allele origin: germline.
Comment: For these reasons, this variant has been classified as Pathogenic. This variant has not been reported in the literature in individuals affected with PCCB-related conditions. This variant is not present in population databases (gnomAD no frequency). This sequence change creates a premature translational stop signal (p.Cys381*) in the PCCB gene. It is expected to result in an absent or disrupted protein product. Loss-of-function variants in PCCB are known to be pathogenic (PMID: 15464417).

Literature cited by the submitters: PubMed 15464417 (cited by Labcorp Genetics (formerly Invitae), Labcorp).